The following is an entry in ClinVar:

NM_016035.5(COQ4):c.435C>A (p.Arg145=)

Gene: COQ4 (coenzyme Q4; plus strand). Cytogenetic location: 9q34.11.
Variant type: single nucleotide variant.
Coding change: c.435C>A on transcript NM_016035.5 (MANE Select); coding-DNA position 435, C replaced by A.
Protein change: p.Arg145=; no amino-acid change (arginine 145 retained).
Molecular consequence: synonymous variant. On other transcripts: intron variant (1).
Genome position (GRCh38, 1-based): chr9:128,332,185, C>A. VCF-style: chr9-128332185-C-A. GRCh37 (hg19) VCF-style: chr9-131094464-C-A.
Other names: c.*3-1289C>A (NM_001305942.2).
Identifiers: ClinVar variation 5041410 (VCV005041410.1).

ClinVar aggregate classification (germline): Likely benign (1 of 4 stars; one submission).

Submission:

CeGaT Center for Human Genetics Tuebingen
Classification: Likely benign. Last evaluated: 2026-09-01. Review status: criteria provided, single submitter. Criteria: CeGaT Center For Human Genetics Tuebingen Variant Classification Criteria Version 2. Collection method: clinical testing. Allele origin: germline. Affected: yes. Observed: 1 variant allele.
Comment: COQ4: PM2:Supporting, BP4, BP7